The following is an entry in ClinVar:

NM_007294.4(BRCA1):c.872T>G (p.Leu291Ter)

Gene: BRCA1 (BRCA1 DNA repair associated; minus strand). Cytogenetic location: 17q21.31.
Variant type: single nucleotide variant.
Coding change: c.872T>G on transcript NM_007294.4 (MANE Select); coding-DNA position 872, T replaced by G.
Protein change: p.Leu291Ter; replaces leucine 291 with a stop codon.
Molecular consequence: nonsense. On other transcripts: intron variant (137), 5 prime UTR variant (2).
Genome position (GRCh38, 1-based): chr17:43,094,659, A>C on the plus strand (T>G on the coding strand, the complement: BRCA1 is on the minus strand). VCF-style: chr17-43094659-A-C. GRCh37 (hg19) VCF-style: chr17-41246676-A-C.
Other names: c.577+85T>G (NM_001408483.1, NM_001408484.1, NM_001408478.1 and 9 more transcripts); c.664+85T>G (NM_001408442.1, NM_001408426.1, NM_001408440.1 and 12 more transcripts); c.787+85T>G (NM_001407982.1, NM_001407970.1, NM_001407981.1 and 19 more transcripts); c.728T>G, p.Leu243Ter (NM_001407847.1, NM_001407848.1, NM_001407849.1 and 20 more transcripts); c.731T>G, p.Leu244Ter (NM_001407850.1, NM_001407851.1, NM_001407852.1 and 29 more transcripts); c.659T>G, p.Leu220Ter (NM_001407853.1, NM_001407571.1, NM_001407894.1 and 9 more transcripts); c.872T>G, p.Leu291Ter (NM_001407581.1, NM_001407582.1, NM_001407583.1 and 30 more transcripts); c.869T>G, p.Leu290Ter (NM_001407587.1, NM_001407590.1, NM_001407591.1 and 22 more transcripts); and 40 more; short protein forms L123*, L163*, L164*, L179*, L180*, L202*, L203*, L220*.
Identifiers: ClinVar variation 5019127 (VCV005019127.2).

ClinVar aggregate classification (germline): Pathogenic (1 of 4 stars; one submission).

Conditions:
Breast-ovarian cancer, familial, susceptibility to, 1 (BROVCA1). Also called: BRCA1 Hereditary Breast and Ovarian Cancer; OVARIAN CANCER, SUSCEPTIBILITY TO. Identifiers: Orphanet 145, MedGen C2676676, MONDO:0011450, OMIM 604370. Disease mechanism: loss of function.

Submission:

Juno Genomics, Hangzhou Juno Genomics, Inc
Classification: Pathogenic for Breast-ovarian cancer, familial, susceptibility to, 1. Review status: criteria provided, single submitter. Criteria: ACMG Guidelines, 2015. Collection method: clinical testing. Allele origin: germline.
Comment: Absent from controls (or at extremely low frequency if recessive) in Genome Aggregation Database.;Null variant in a gene where loss of function (LOF) is a known mechanism of disease.;Novel missense change at an amino acid residue where a different missense change determined to be pathogenic has been seen before.